The following is an entry in ClinVar:

ClinVar aggregate classification (germline): Likely benign. Review status: criteria provided, multiple submitters, no conflicts (2 of 4 stars). 2 submissions from 2 submitters: Likely benign (2). Last evaluated 2024-07-15.

Allele frequency attached by ClinVar (database versions not stated): ExAC 0.00009; 1000 Genomes Project 30x 0.00016; 1000 Genomes Project 0.00020.

Submissions (2):

Blueprint Genetics
Classification: Likely benign. Last evaluated: 2024-07-15. Review status: criteria provided, single submitter. Criteria: ACMG Guidelines, 2015. Collection method: clinical testing. Allele origin: germline.

CeGaT Center for Human Genetics Tuebingen
Classification: Likely benign. Last evaluated: 2022-12-01. Review status: criteria provided, single submitter. Criteria: CeGaT Center For Human Genetics Tuebingen Variant Classification Criteria Version 2. Collection method: clinical testing. Allele origin: germline. Affected: yes. Observed: 1 variant allele.
Comment: FLG: BP4, BP7

NM_002016.2(FLG):c.11289G>A (p.Gly3763=)

Genes: CCDST (cervical cancer associated DHX9 suppressive transcript; plus strand), FLG (filaggrin; minus strand). Cytogenetic location: 1q21.3.
Variant type: single nucleotide variant.
Coding change: c.11289G>A on transcript NM_002016.2 (MANE Select); coding-DNA position 11289, G replaced by A.
Protein change: p.Gly3763=; no amino-acid change (glycine 3763 retained).
Molecular consequence: synonymous variant.
Genome position (GRCh38, 1-based): chr1:152,303,597, C>T on the plus strand (G>A on the coding strand, the complement: FLG is on the minus strand). VCF-style: chr1-152303597-C-T. GRCh37 (hg19) VCF-style: chr1-152276073-C-T.
Identifiers: ClinVar variation 2639225 (VCV002639225.25), dbSNP rs201656440, ClinGen allele CA1102957.